The following is an entry in ClinVar:

NM_001256789.3(CACNA1F):c.5231+10C>T

Gene: CACNA1F (calcium voltage-gated channel subunit alpha1 F; minus strand). Cytogenetic location: Xp11.23.
Variant type: single nucleotide variant.
Coding change: c.5231+10C>T on transcript NM_001256789.3 (MANE Select); 10 bases into the intron after coding-DNA position 5231, C replaced by T.
Molecular consequence: intron variant.
Genome position (GRCh38, 1-based): chrX:49,206,995, G>A on the plus strand (C>T on the coding strand, the complement: CACNA1F is on the minus strand). VCF-style: chrX-49206995-G-A. GRCh37 (hg19) VCF-style: chrX-49063456-G-A.
Other names: c.5264+10C>T (NM_005183.4, NM_005183.3); c.5069+10C>T (NM_001256790.3).
Identifiers: ClinVar variation 4950507 (VCV004950507.2).

ClinVar aggregate classification (germline): Likely benign. Review status: criteria provided, multiple submitters, no conflicts (2 of 4 stars). 2 submissions from 2 submitters: Likely benign (2). Last evaluated 2025-07-31.

Conditions:
CACNA1F-related disorder. Also called: CACNA1F-related condition.

gnomAD v4.1: 12 of 1,164,115 alleles (0.001%); highest among the groups gnomAD compares: Middle Eastern, 0.12%; no homozygotes.

Submissions (2):

PreventionGenetics, part of Exact Sciences
Classification: Likely benign for CACNA1F-related condition. Last evaluated: 2025-07-31. Review status: criteria provided, single submitter. Criteria: ACMG Guidelines, 2015. Collection method: clinical testing. Allele origin: germline.
Comment: This variant is classified as likely benign based on ACMG/AMP sequence variant interpretation guidelines (Richards et al. 2015 PMID: 25741868, with internal and published modifications).

Blueprint Genetics
Classification: Likely benign. Last evaluated: 2023-02-10. Review status: criteria provided, single submitter. Criteria: ACMG Guidelines, 2015. Collection method: clinical testing. Allele origin: germline.